The following is an entry in ClinVar:

NM_000459.5(TEK):c.3347T>C (p.Ile1116Thr)

Gene: TEK (TEK receptor tyrosine kinase; plus strand). Cytogenetic location: 9p21.2.
Variant type: single nucleotide variant.
Coding change: c.3347T>C on transcript NM_000459.5 (MANE Select); coding-DNA position 3347, T replaced by C.
Protein change: p.Ile1116Thr; replaces isoleucine 1116 with threonine.
Molecular consequence: missense variant.
Genome position (GRCh38, 1-based): chr9:27,229,204, T>C. VCF-style: chr9-27229204-T-C. GRCh37 (hg19) VCF-style: chr9-27229202-T-C.
Other names: c.3218T>C, p.Ile1073Thr (NM_001290077.2); c.2903T>C, p.Ile968Thr (NM_001290078.2); c.3344T>C, p.Ile1115Thr (NM_001375475.1); c.3215T>C, p.Ile1072Thr (NM_001375476.1); short protein forms I1116T, I1073T, I968T, I1072T, I1115T.
Identifiers: ClinVar variation 561130 (VCV000561130.2), dbSNP rs1564116253, ClinGen allele CA373131413.
Genomic context (GRCh38, chr9:27,229,204, plus strand): 5'-TTTCATTCTTCCAGACCTACGTGAATACCACGCTTTATGAGAAGTTTACTTATGCAGGAA[T>C]TGACTGTTCTGCTGAAGAAGCGGCCTAGGACAGAACATCTGTATACCCTCTGTTTCCCTT-3'
Protein context (NP_000450.3, residues 1106-1124): TLYEKFTYAG[Ile1116Thr]DCSAEEAA

ClinVar aggregate classification (germline): Uncertain significance (1 of 4 stars; one submission).

Conditions:
Multiple cutaneous and mucosal venous malformations (VMCM). Also called: TEK-Related Multiple Cutaneous and Mucosal Venous Malformations (VMCM). Identifiers: Orphanet 2451, MedGen C1838437, MONDO:0010842, OMIM 600195.

Submission:

Baylor Genetics
Classification: Uncertain significance for Multiple cutaneous and mucosal venous malformations. Last evaluated: 2017-09-01. Review status: criteria provided, single submitter. Criteria: ACMG Guidelines, 2015. Collection method: clinical testing. Allele origin: paternal. Inheritance: Autosomal dominant inheritance. Affected: yes.

Literature cited by the submitters: PubMed 25326635.